The following is an entry in ClinVar:

ClinVar aggregate classification (germline): Uncertain significance (1 of 4 stars; one submission).

Conditions:
Cardiovascular phenotype. Identifiers: MedGen CN230736.

gnomAD v4.1: 15 of 1,613,958 alleles (0.00093%); highest among the groups gnomAD compares: South Asian, 0.016%; no homozygotes.

Submission:

Ambry Genetics
Classification: Uncertain significance for Cardiovascular phenotype. Last evaluated: 2026-09-11. Review status: criteria provided, single submitter. Criteria: Ambry Variant Classification Scheme 2023. Collection method: clinical testing. Allele origin: germline.
Comment: The p.Y4269F variant (also known as c.12806A>T), located in coding exon 29 of the APOB gene, results from an A to T substitution at nucleotide position 12806. The tyrosine at codon 4269 is replaced by phenylalanine, an amino acid with highly similar properties. This amino acid position is conserved. In addition, this alteration is predicted to be tolerated by in silico analysis. Based on the available evidence, the clinical significance of this variant remains unclear.

NM_000384.3(APOB):c.12806A>T (p.Tyr4269Phe)

Gene: APOB (apolipoprotein B; minus strand). Cytogenetic location: 2p24.1.
Variant type: single nucleotide variant.
Coding change: c.12806A>T on transcript NM_000384.3 (MANE Select); coding-DNA position 12806, A replaced by T.
Protein change: p.Tyr4269Phe; replaces tyrosine 4269 with phenylalanine.
Molecular consequence: missense variant.
Genome position (GRCh38, 1-based): chr2:21,002,616, T>A on the plus strand (A>T on the coding strand, the complement: APOB is on the minus strand). VCF-style: chr2-21002616-T-A. GRCh37 (hg19) VCF-style: chr2-21225488-T-A.
Other names: short protein forms Y4269F.
Identifiers: ClinVar variation 4613702 (VCV004613702.2).